The following is an entry in ClinVar:

NM_003060.4(SLC22A5):c.881del (p.Glu294fs)

Gene: SLC22A5 (solute carrier family 22 member 5; plus strand). Cytogenetic location: 5q31.1.
Variant type: Deletion.
Coding change: c.881del on transcript NM_003060.4 (MANE Select); coding-DNA position 881, one base deleted (A; older notation c.881delA).
Protein change: p.Glu294fs; shifts the reading frame from glutamic acid 294.
Molecular consequence: frameshift variant.
Genome position (GRCh38, 1-based): chr5:132,387,081, A deleted. VCF-style (leftmost placement, unchanged base first): chr5-132387080-GA-G. GRCh37 (hg19) VCF-style: chr5-131722772-GA-G.
Other names: c.881delA (NM_003060.3); c.953del, p.Glu318fs (NM_001308122.2); c.881del (NM_003060.3); short protein forms E294fs, E318fs.
Identifiers: ClinVar variation 460418 (VCV000460418.7), dbSNP rs1554087719, ClinGen allele CA658657491.

ClinVar aggregate classification (germline): Pathogenic/Likely pathogenic. Review status: criteria provided, multiple submitters, no conflicts (2 of 4 stars). 2 submissions from 2 submitters: Pathogenic (1); Likely pathogenic (1). Last evaluated 2024-10-25.

Conditions:
Carnitine deficiency. Identifiers: MedGen C1142132.
Renal carnitine transport defect (CDSP). Also called: Primary carnitine deficiency; CARNITINE DEFICIENCY, SYSTEMIC, DUE TO DEFECT IN RENAL REABSORPTION OF CARNITINE; CARNITINE TRANSPORTER, PLASMA-MEMBRANE, DEFICIENCY OF; CARNITINE UPTAKE DEFECT; Systemic primary carnitine deficiency; Systemic primary carnitine deficiency disease. Identifiers: Orphanet 158, MedGen C0342788, MONDO:0008919, OMIM 212140.

Submissions (2):

Natera, Inc.
Classification: Likely pathogenic for Carnitine deficiency. Last evaluated: 2024-10-25. Review status: criteria provided, single submitter. Criteria: Natera Variant Classification Schema (03/2026). Collection method: clinical testing. Allele origin: germline.
Comment: The c.881del variant in SLC22A5 is a frameshift variant predicted to shift the reading frame beginning at codon 294 and leads to a stop codon 2 codons downstream. This variant is expected to result in nonsense mediated decay, truncation, or a dysfunctional protein product. This variant is rare in the general population with a frequency below the threshold expected for the associated phenotype(s). Given the available evidence, this variant is classified as Likely Pathogenic.

Labcorp Genetics (formerly Invitae), Labcorp
Classification: Pathogenic for Renal carnitine transport defect. Last evaluated: 2024-10-15. Review status: criteria provided, single submitter. Criteria: Invitae Variant Classification Sherloc (09022015). Collection method: clinical testing. Allele origin: germline.
Comment: This sequence change creates a premature translational stop signal (p.Glu294Glyfs*2) in the SLC22A5 gene. It is expected to result in an absent or disrupted protein product. Loss-of-function variants in SLC22A5 are known to be pathogenic (PMID: 9916797). This variant is not present in population databases (gnomAD no frequency). This variant has not been reported in the literature in individuals affected with SLC22A5-related conditions. ClinVar contains an entry for this variant (Variation ID: 460418). Algorithms developed to predict the effect of sequence changes on RNA splicing suggest that this variant may disrupt the consensus splice site. For these reasons, this variant has been classified as Pathogenic.

Literature cited by the submitters: PubMed 9916797 (cited by Labcorp Genetics (formerly Invitae), Labcorp).